The following is an entry in ClinVar:

ClinVar aggregate classification (germline): Uncertain significance (1 of 4 stars; one submission).

Conditions:
Nemaline myopathy 2 (NEM2). Also called: Nemaline myopathy 2, autosomal recessive. Identifiers: MedGen C1850569, MONDO:0009725, OMIM 256030.

gnomAD v4.1: 3 of 1,613,852 alleles (0.00019%); highest among the groups gnomAD compares: Non-Finnish European, 0.00017%; no homozygotes.

Submission:

Labcorp Genetics (formerly Invitae), Labcorp
Classification: Uncertain significance for Nemaline myopathy 2. Last evaluated: 2024-07-13. Review status: criteria provided, single submitter. Criteria: Invitae Variant Classification Sherloc (09022015). Collection method: clinical testing. Allele origin: germline.
Comment: This sequence change replaces histidine, which is basic and polar, with proline, which is neutral and non-polar, at codon 3601 of the NEB protein (p.His3601Pro). This variant is not present in population databases (gnomAD no frequency). This variant has not been reported in the literature in individuals affected with NEB-related conditions. Experimental studies and prediction algorithms are not available or were not evaluated, and the functional significance of this variant is currently unknown. In summary, the available evidence is currently insufficient to determine the role of this variant in disease. Therefore, it has been classified as a Variant of Uncertain Significance.

NM_001164508.2(NEB):c.10802A>C (p.His3601Pro)

Gene: NEB (nebulin; minus strand). Cytogenetic location: 2q23.3.
Variant type: single nucleotide variant.
Coding change: c.10802A>C on transcript NM_001164508.2 (MANE Select); coding-DNA position 10802, A replaced by C.
Protein change: p.His3601Pro; replaces histidine 3601 with proline.
Molecular consequence: missense variant.
Genome position (GRCh38, 1-based): chr2:151,619,521, T>G on the plus strand (A>C on the coding strand, the complement: NEB is on the minus strand). VCF-style: chr2-151619521-T-G. GRCh37 (hg19) VCF-style: chr2-152476035-T-G.
Other names: c.10802A>C, p.His3601Pro (NM_001164507.2, NM_001271208.2); c.10073A>C, p.His3358Pro (NM_004543.5); short protein forms H3358P, H3601P.
Identifiers: ClinVar variation 3667745 (VCV003667745.2).
Genomic context (GRCh38, chr2:151,619,521, plus strand): 5'-AGGTCATAGGCTTTCCGTGCATGAATGATGTCATTCTGGTCGGGCAGGCAGATCCATTCA[T>G]GCAGAGGATGTTTATAGTCCACATCGCTGACCAAGGTCTGACACTTCTTGGCCAAAACGA-3'
Protein context (NP_001157980.2, residues 3591-3611): VSDVDYKHPL[His3601Pro]EWICLPDQND